The following is an entry in ClinVar:

NM_000053.4(ATP7B):c.2806T>G (p.Leu936Val)

Gene: ATP7B (ATPase copper transporting beta; minus strand). Cytogenetic location: 13q14.3.
Variant type: single nucleotide variant.
Coding change: c.2806T>G on transcript NM_000053.4 (MANE Select); coding-DNA position 2806, T replaced by G.
Protein change: p.Leu936Val; replaces leucine 936 with valine.
Molecular consequence: missense variant. On other transcripts: intron variant (1).
Genome position (GRCh38, 1-based): chr13:51,949,721, A>C on the plus strand (T>G on the coding strand, the complement: ATP7B is on the minus strand). VCF-style: chr13-51949721-A-C. GRCh37 (hg19) VCF-style: chr13-52523857-A-C.
Other names: c.2473T>G, p.Leu825Val (NM_001243182.2); c.2572T>G, p.Leu858Val (NM_001330578.2); c.2554T>G, p.Leu852Val (NM_001330579.2); c.2244+286T>G (NM_001005918.3); short protein forms L936V, L858V, L825V, L852V.
Identifiers: ClinVar variation 283616 (VCV000283616.25), dbSNP rs367855110, ClinGen allele CA6988906.

ClinVar aggregate classification (germline): Uncertain significance. Review status: criteria provided, multiple submitters, no conflicts (2 of 4 stars). 11 submissions from 11 submitters: Uncertain significance (10). 1 of the submissions does not count toward it. Last evaluated 2025-09-24.

Conditions:
Wilson disease (WND). Also called: Wilson's disease. Identifiers: Orphanet 905, MedGen C0019202, MONDO:0010200, OMIM 277900. Disease mechanism: loss of function.

Allele frequency attached by ClinVar (database versions not stated): ExAC 0.00002; gnomAD exomes 0.00004 and 0.00038; TOPMed 0.00005; gnomAD 0.00007; ESP Exome Variant Server 0.00008.
gnomAD v4.1: 552 of 1,613,998 alleles (0.034%); highest among the groups gnomAD compares: Non-Finnish European, 0.046%; 1 homozygote.

Submissions (11):

Color Diagnostics, LLC DBA Color Health
Classification: Uncertain significance for Wilson disease. Last evaluated: 2025-09-24. Review status: criteria provided, single submitter. Criteria: ACMG Guidelines, 2015. Collection method: clinical testing. Allele origin: germline.
Comment: This missense variant replaces leucine with valine at codon 936 of the ATP7B protein. Computational prediction is inconclusive regarding the impact of this variant on protein structure and function. To our knowledge, functional studies have not been reported for this variant. This variant has been reported in individuals affected with Wilson disease (PMID: 23518715, 29915382). This variant has been identified in 9/249386 chromosomes in the general population by the Genome Aggregation Database (gnomAD). The available evidence is insufficient to determine the role of this variant in disease conclusively. Therefore, this variant is classified as a Variant of Uncertain Significance.

ARUP Laboratories, Molecular Genetics and Genomics, ARUP Laboratories
Classification: Uncertain significance for Wilson disease. Last evaluated: 2024-11-01. Review status: criteria provided, single submitter. Criteria: ARUP Molecular Germline Variant Investigation Process 2024. Collection method: clinical testing. Allele origin: germline.
Comment: The ATP7B c.2806T>G; p.Leu936Val variant (rs367855110, ClinVar Variation ID: 283616) is reported in the literature in an individual with an ataxia-related phenotype (Sun 2019). This variant is found in the general population with an overall allele frequency of 0.0036% (9/249386 alleles) in the Genome Aggregation Database (v2.1.1). Computational analyses are uncertain whether this variant is neutral or deleterious (REVEL: 0.680). Due to limited information, the clinical significance of this variant is uncertain at this time. References: Sun M et al. Targeted exome analysis identifies the genetic basis of disease in over 50% of patients with a wide range of ataxia-related phenotypes. Genet Med. 2019 Jan;21(1):195-206. PMID: 29915382.

Blueprint Genetics
Classification: Uncertain significance. Last evaluated: 2024-09-02. Review status: criteria provided, single submitter. Criteria: ACMG Guidelines, 2015. Collection method: clinical testing. Allele origin: germline.

All of Us Research Program, National Institutes of Health
Classification: Uncertain significance for Wilson disease. Last evaluated: 2024-08-06. Review status: criteria provided, single submitter. Criteria: ACMG Guidelines, 2015. Collection method: clinical testing. Allele origin: germline. Inheritance: Autosomal recessive inheritance. Observed: 26 variant alleles, 26 heterozygotes.
Comment: This missense variant replaces leucine with valine at codon 936 of the ATP7B protein. Computational prediction is inconclusive regarding the impact of this variant on protein structure and function (internally defined REVEL score threshold 0.5 < inconclusive < 0.7, PMID: 27666373). To our knowledge, functional studies have not been reported for this variant. This variant has been reported in individuals affected with Wilson disease (PMID: 23518715, 29915382). This variant has been identified in 9/249386 chromosomes in the general population by the Genome Aggregation Database (gnomAD). The available evidence is insufficient to determine the role of this variant in disease conclusively. Therefore, this variant is classified as a Variant of Uncertain Significance.

This study involves interpretation of variants in research participants for the purpose of population health screening. Participant phenotype was not available at the time of variant classification. Additional details can be found in publication PMID: 35346344, PMCID: PMC8962531

Fulgent Genetics
Classification: Uncertain significance for Wilson disease. Last evaluated: 2023-12-26. Review status: criteria provided, single submitter. Criteria: ACMG Guidelines, 2015. Collection method: clinical testing. Allele origin: germline.

Labcorp Genetics (formerly Invitae), Labcorp
Classification: Uncertain significance for Wilson disease. Last evaluated: 2022-10-26. Review status: criteria provided, single submitter. Criteria: Invitae Variant Classification Sherloc (09022015). Collection method: clinical testing. Allele origin: germline.
Comment: This sequence change replaces leucine, which is neutral and non-polar, with valine, which is neutral and non-polar, at codon 936 of the ATP7B protein (p.Leu936Val). This variant is present in population databases (rs367855110, gnomAD 0.007%). This missense change has been observed in individual(s) with clinical features of Wilson disease (PMID: 23518715, 29915382). ClinVar contains an entry for this variant (Variation ID: 283616). Advanced modeling of protein sequence and biophysical properties (such as structural, functional, and spatial information, amino acid conservation, physicochemical variation, residue mobility, and thermodynamic stability) performed at Invitae indicates that this missense variant is not expected to disrupt ATP7B protein function. In summary, the available evidence is currently insufficient to determine the role of this variant in disease. Therefore, it has been classified as a Variant of Uncertain Significance.

Genome-Nilou Lab
Classification: Uncertain significance for Wilson disease. Last evaluated: 2021-09-05. Review status: criteria provided, single submitter. Criteria: ACMG Guidelines, 2015. Collection method: clinical testing. Allele origin: germline. Affected: no.

Mayo Clinic Laboratories, Mayo Clinic
Classification: Uncertain significance. Last evaluated: 2021-07-27. Review status: criteria provided, single submitter. Criteria: ACMG Guidelines, 2015. Collection method: clinical testing. Allele origin: germline.

GeneDx
Classification: Uncertain significance. Last evaluated: 2019-03-26. Review status: criteria provided, single submitter. Criteria: GeneDx Variant Classification Process June 2021. Collection method: clinical testing. Allele origin: germline. Affected: yes.
Comment: Has not been previously reported in an individual with Wilson disease as pathogenic or benign to our knowledge; In silico analysis, which includes protein predictors and evolutionary conservation, supports that this variant does not alter protein structure/function; Not observed at a significant frequency in large population cohorts (Lek et al., 2016); This variant is associated with the following publications: (PMID: 29915382, 23518715)

Eurofins Ntd Llc (ga)
Classification: Uncertain significance. Last evaluated: 2015-09-28. Review status: criteria provided, single submitter. Criteria: EGL Classification Definitions 2015. Collection method: clinical testing. Allele origin: germline. Observed: 1 variant allele, 1 heterozygote.

Natera, Inc.
Classification: Uncertain significance for Wilson disease. Last evaluated: 2020-04-03. Review status: no assertion criteria provided. Collection method: clinical testing. Allele origin: germline. Not counted in ClinVar's aggregate classification.

Literature cited by the submitters: PubMed 23518715 (cited by 3 submitters); PubMed 29915382 (cited by 3 submitters).